The following is an entry in ClinVar:

NM_001128205.2(SULF1):c.1510T>C (p.Cys504Arg)

Gene: SULF1 (sulfatase 1; plus strand). Cytogenetic location: 8q13.3.
Variant type: single nucleotide variant.
Coding change: c.1510T>C on transcript NM_001128205.2 (MANE Select); coding-DNA position 1510, T replaced by C.
Protein change: p.Cys504Arg; replaces cysteine 504 with arginine.
Molecular consequence: missense variant. On other transcripts: non-coding transcript variant (7), 5 prime UTR variant (1).
Genome position (GRCh38, 1-based): chr8:69,621,167, T>C. VCF-style: chr8-69621167-T-C. GRCh37 (hg19) VCF-style: chr8-70533402-T-C.
Other names: c.-282T>C (NM_001412846.1); c.1510T>C, p.Cys504Arg (NM_001412850.1, NM_001412851.1, NM_015170.3 and 9 more transcripts); c.1381T>C, p.Cys461Arg (NM_001412832.1, NM_001412838.1, NM_001412839.1 and 1 more transcripts); c.1453T>C, p.Cys485Arg (NM_001412836.1, NM_001412837.1); c.1324T>C, p.Cys442Arg (NM_001412841.1, NM_001412842.1); c.910T>C, p.Cys304Arg (NM_001412844.1, NM_001412845.1); short protein forms C304R, C442R, C461R, C485R, C504R.
Identifiers: ClinVar variation 3604121 (VCV003604121.2).
Genomic context (GRCh38, chr8:69,621,167, plus strand): 5'-ACAGTCCGGCAGAGCACGCGGAACCTCTACGCTCGCGGCTTCCATGACAAAGACAAAGAG[T>C]GCAGTTGTAGGGAGTCTGGTTACCGTGCCAGCAGAAGCCAAAGAAAGAGTCAACGGCAAT-3'
Protein context (NP_001121677.1, residues 494-514): ARGFHDKDKE[Cys504Arg]SCRESGYRAS

ClinVar aggregate classification (germline): Uncertain significance (1 of 4 stars; one submission).

gnomAD v4.1: 66 of 1,613,660 alleles (0.0041%); highest among the groups gnomAD compares: Non-Finnish European, 0.0055%; no homozygotes.

Submission:

Labcorp Genetics (formerly Invitae), Labcorp
Classification: Uncertain significance. Last evaluated: 2024-03-24. Review status: criteria provided, single submitter. Criteria: Invitae Variant Classification Sherloc (09022015). Collection method: clinical testing. Allele origin: germline.
Comment: This sequence change replaces cysteine, which is neutral and slightly polar, with arginine, which is basic and polar, at codon 504 of the SULF1 protein (p.Cys504Arg). This variant is present in population databases (rs754304046, gnomAD 0.004%). This variant has not been reported in the literature in individuals affected with SULF1-related conditions. An algorithm developed to predict the effect of missense changes on protein structure and function (PolyPhen-2) suggests that this variant is likely to be disruptive. In summary, the available evidence is currently insufficient to determine the role of this variant in disease. Therefore, it has been classified as a Variant of Uncertain Significance.